The following is an entry in ClinVar:

ClinVar aggregate classification (germline): Uncertain significance (1 of 4 stars; one submission).

Conditions:
Amyotrophic lateral sclerosis type 21. Also called: MYOPATHY, DISTAL, 2; VOCAL CORD AND PHARYNGEAL DYSFUNCTION WITH DISTAL MYOPATHY. Identifiers: Orphanet 600, Orphanet 803, MedGen C3807521, MONDO:0011632, OMIM 606070.

Allele frequency attached by ClinVar (database versions not stated): TOPMed below 0.00001.
gnomAD v4.1: 2 of 1,614,202 alleles (0.00012%); highest among the groups gnomAD compares: Admixed American, 0.0017%; no homozygotes.

Submission:

Labcorp Genetics (formerly Invitae), Labcorp
Classification: Uncertain significance for Amyotrophic lateral sclerosis type 21. Last evaluated: 2022-03-01. Review status: criteria provided, single submitter. Criteria: Invitae Variant Classification Sherloc (09022015). Collection method: clinical testing. Allele origin: germline.
Comment: In summary, the available evidence is currently insufficient to determine the role of this variant in disease. Therefore, it has been classified as a Variant of Uncertain Significance. Algorithms developed to predict the effect of missense changes on protein structure and function (SIFT, PolyPhen-2, Align-GVGD) all suggest that this variant is likely to be tolerated. This variant has not been reported in the literature in individuals affected with MATR3-related conditions. This variant is not present in population databases (gnomAD no frequency). This sequence change replaces methionine, which is neutral and non-polar, with valine, which is neutral and non-polar, at codon 650 of the MATR3 protein (p.Met650Val).

NM_018834.6(MATR3):c.1948A>G (p.Met650Val)

Genes: MATR3 (matrin 3; plus strand), LOC126807526 (CDK7 strongly-dependent group 2 enhancer GRCh37_chr5:138657767-138658966; plus strand). Cytogenetic location: 5q31.2.
Variant type: single nucleotide variant.
Coding change: c.1948A>G on transcript NM_018834.6 (MANE Select); coding-DNA position 1948, A replaced by G.
Protein change: p.Met650Val; replaces methionine 650 with valine.
Molecular consequence: missense variant.
Genome position (GRCh38, 1-based): chr5:139,322,767, A>G. VCF-style: chr5-139322767-A-G. GRCh37 (hg19) VCF-style: chr5-138658456-A-G.
Other names: c.1948A>G, p.Met650Val (NM_001194954.2, NM_001194955.2, NM_001400441.1 and 16 more transcripts); c.1084A>G, p.Met362Val (NM_001194956.2); c.934A>G, p.Met312Val (NM_001282278.2, NM_001400460.1, NM_001400462.1 and 5 more transcripts); c.1087A>G, p.Met363Val (NM_001400459.1); c.1048A>G, p.Met350Val (NM_001400461.1); short protein forms M350V, M362V, M363V, M650V, M312V.
Identifiers: ClinVar variation 2098365 (VCV002098365.4), dbSNP rs749026971, ClinGen allele CA361143980.
Genomic context (GRCh38, chr5:139,322,767, plus strand): 5'-AAGTCCGGTGAAGATGGTGAGAAAGACACAAAGGATGACCAGACAGAGCAGGAACCTAAT[A>G]TGCTTCTTGAATCTGAAGATGAGCTACTTGTAGATGAAGAAGAAGCAGCAGCACTGCTAG-3'
Protein context (NP_061322.2, residues 640-660): KDDQTEQEPN[Met650Val]LLESEDELLV